The following is an entry in ClinVar:

NM_000637.5(GSR):c.439C>T (p.Arg147Trp)

Gene: GSR (glutathione-disulfide reductase; minus strand). Cytogenetic location: 8p12.
Variant type: single nucleotide variant.
Coding change: c.439C>T on transcript NM_000637.5 (MANE Select); coding-DNA position 439, C replaced by T.
Protein change: p.Arg147Trp; replaces arginine 147 with tryptophan.
Molecular consequence: missense variant.
Genome position (GRCh38, 1-based): chr8:30,708,125, G>A on the plus strand (C>T on the coding strand, the complement: GSR is on the minus strand). VCF-style: chr8-30708125-G-A. GRCh37 (hg19) VCF-style: chr8-30565642-G-A.
Other names: p.Arg147Trp; c.439C>T, p.Arg147Trp (NM_001195102.3, NM_001195103.3, NM_001195104.3); short protein forms R147W.
Identifiers: ClinVar variation 2213161 (VCV002213161.6), dbSNP rs150594097, ClinGen allele CA4701517.
Genomic context (GRCh38, chr8:30,708,125, plus strand): 5'-TACACACCTTGGTGAGATTGTTTTGATAGATGGCATTCAGGCGGCTCACATAGGCATCCC[G>A]CTTTTCCTTAATAACACTGCAATGAAACCCAAGTCAGTATTCAGAAACAGGATCTTCCCC-3'
Protein context (NP_000628.2, residues 137-157): KFNWRVIKEK[Arg147Trp]DAYVSRLNAI

ClinVar aggregate classification (germline): Uncertain significance. Review status: criteria provided, multiple submitters, no conflicts (2 of 4 stars). 5 submissions from 5 submitters: Uncertain significance (5). Last evaluated 2025-01-08.

Conditions:
GSR-related disorder. Also called: GSR-related condition.
Hemolytic anemia due to glutathione reductase deficiency (CNSHA10). Also called: ANEMIA, CONGENITAL, NONSPHEROCYTIC HEMOLYTIC, 10. Identifiers: Orphanet 90030, MedGen C5231513, MONDO:0019531, OMIM 618660.

gnomAD v4.1: 152 of 1,611,812 alleles (0.0094%); highest among the groups gnomAD compares: Admixed American, 0.013%; no homozygotes.

Submissions (5):

ARUP Laboratories, Molecular Genetics and Genomics, ARUP Laboratories
Classification: Uncertain significance for Hemolytic anemia due to glutathione reductase deficiency. Last evaluated: 2025-01-08. Review status: criteria provided, single submitter. Criteria: ARUP Molecular Germline Variant Investigation Process 2024. Collection method: clinical testing. Allele origin: germline.
Comment: The GSR c.439C>T; p.Arg147Trp variant (rs150594097), to our knowledge, is not reported in the medical literature but is reported in ClinVar (Variation ID: 2213161). This variant is found in the general population with an overall allele frequency of 0.007% (19/251456 alleles) in the Genome Aggregation Database (v2.1.1). Computational analyses predict that this variant is deleterious] (REVEL: 0.74). Due to limited information, the clinical significance of this variant is uncertain at this time.

Mayo Clinic Laboratories, Mayo Clinic
Classification: Uncertain significance. Last evaluated: 2024-12-24. Review status: criteria provided, single submitter. Criteria: ACMG Guidelines, 2015. Collection method: clinical testing. Allele origin: germline. Observed: 1 variant allele.

Revvity Omics, Revvity
Classification: Uncertain significance for Hemolytic anemia due to glutathione reductase deficiency. Last evaluated: 2024-12-18. Review status: criteria provided, single submitter. Criteria: ACMG Guidelines, 2015. Collection method: clinical testing. Allele origin: germline.

PreventionGenetics, part of Exact Sciences
Classification: Uncertain significance for GSR-related condition. Last evaluated: 2023-09-27. Review status: criteria provided, single submitter. Criteria: ACMG Guidelines, 2015. Collection method: clinical testing. Allele origin: germline.
Comment: The GSR c.439C>T variant is predicted to result in the amino acid substitution p.Arg147Trp. To our knowledge, this variant has not been reported in the literature. This variant is reported in 0.020% of alleles in individuals of Latino descent in gnomAD. At this time, the clinical significance of this variant is uncertain due to the absence of conclusive functional and genetic evidence.

Ambry Genetics
Classification: Uncertain significance. Last evaluated: 2021-06-21. Review status: criteria provided, single submitter. Criteria: Ambry Variant Classification Scheme 2023. Collection method: clinical testing. Allele origin: germline.